The following is an entry in ClinVar:

NM_004415.4(DSP):c.4371G>A (p.Met1457Ile)

Gene: DSP (desmoplakin; plus strand). Cytogenetic location: 6p24.3.
Variant type: single nucleotide variant.
Coding change: c.4371G>A on transcript NM_004415.4 (MANE Select); coding-DNA position 4371, G replaced by A.
Protein change: p.Met1457Ile; replaces methionine 1457 with isoleucine.
Molecular consequence: missense variant. On other transcripts: intron variant (2).
Genome position (GRCh38, 1-based): chr6:7,580,561, G>A. VCF-style: chr6-7580561-G-A. GRCh37 (hg19) VCF-style: chr6-7580794-G-A.
Other names: c.4050+321G>A (NM_001319034.2); c.3582+789G>A (NM_001008844.3); short protein forms M1457I.
Identifiers: ClinVar variation 666685 (VCV000666685.6), dbSNP rs1169630255, ClinGen allele CA362686165.

ClinVar aggregate classification (germline): Conflicting classifications of pathogenicity. Review status: criteria provided, conflicting classifications (1 of 4 stars). 3 submissions from 3 submitters: Uncertain significance (2); Likely benign (1). Last evaluated 2026-03-27.

Conditions:
Arrhythmogenic cardiomyopathy with wooly hair and keratoderma. Also called: Dilated cardiomyopathy with woolly hair and keratoderma; Carvajal syndrome; Arrhythmogenic cardiomyopathy with woolly hair and keratoderma; PALMOPLANTAR KERATODERMA WITH LEFT VENTRICULAR CARDIOMYOPATHY AND WOOLLY HAIR. Identifiers: Orphanet 65282, MedGen C1854063, MONDO:0011581, OMIM 605676.
Arrhythmogenic right ventricular dysplasia 8 (ARVD8). Also called: Arrhythmogenic Right Ventricular Dysplasia/Cardiomyopathy 8; ARRHYTHMOGENIC RIGHT VENTRICULAR DYSPLASIA, FAMILIAL, 8; ARRHYTHMOGENIC RIGHT VENTRICULAR CARDIOMYOPATHY 8. Identifiers: MedGen C1843896, MONDO:0011831, OMIM 607450.

Submissions (3):

Women's Health and Genetics/Laboratory Corporation of America, LabCorp
Classification: Uncertain significance. Last evaluated: 2026-03-27. Review status: criteria provided, single submitter. Criteria: LabCorp Variant Classification Summary - May 2015. Collection method: clinical testing. Allele origin: germline.

Labcorp Genetics (formerly Invitae), Labcorp
Classification: Uncertain significance for Arrhythmogenic cardiomyopathy with wooly hair and keratoderma; Arrhythmogenic right ventricular dysplasia 8. Last evaluated: 2025-09-23. Review status: criteria provided, single submitter. Criteria: Invitae Variant Classification Sherloc (09022015). Collection method: clinical testing. Allele origin: germline.
Comment: This sequence change replaces methionine, which is neutral and non-polar, with isoleucine, which is neutral and non-polar, at codon 1457 of the DSP protein (p.Met1457Ile). This variant is not present in population databases (gnomAD no frequency). This variant has not been reported in the literature in individuals affected with DSP-related conditions. ClinVar contains an entry for this variant (Variation ID: 666685). An algorithm developed to predict the effect of missense changes on protein structure and function outputs the following: PolyPhen-2: "Benign". The isoleucine amino acid residue is found in multiple mammalian species, which suggests that this missense change does not adversely affect protein function. In summary, the available evidence is currently insufficient to determine the role of this variant in disease. Therefore, it has been classified as a Variant of Uncertain Significance.

Laboratory for Molecular Medicine, Mass General Brigham Personalized Medicine
Classification: Likely benign. Last evaluated: 2018-08-29. Review status: criteria provided, single submitter. Criteria: LMM Criteria. Collection method: clinical testing. Allele origin: germline. Observed: 1 variant allele.
Comment: The p.Met1457Ile variant in DSP is classified as likely benign due to a lack of conservation across species. Of note, at least four mammals have Isoleucine (Ile ) at this position. ACMG/AMP Criteria applied: BP4_Strong, PM2.